The following is an entry in ClinVar:

NM_001267550.2(TTN):c.75232G>C (p.Glu25078Gln)

Genes: TTN (titin; minus strand), TTN-AS1 (TTN antisense RNA 1; plus strand). Cytogenetic location: 2q31.2.
Variant type: single nucleotide variant.
Coding change: c.75232G>C on transcript NM_001267550.2 (MANE Select); coding-DNA position 75232, G replaced by C.
Protein change: p.Glu25078Gln; replaces glutamic acid 25078 with glutamine.
Molecular consequence: missense variant.
Genome position (GRCh38, 1-based): chr2:178,570,900, C>G on the plus strand (G>C on the coding strand, the complement: TTN is on the minus strand). VCF-style: chr2-178570900-C-G. GRCh37 (hg19) VCF-style: chr2-179435627-C-G.
Other names: c.70309G>C, p.Glu23437Gln (NM_001256850.1); c.48037G>C, p.Glu16013Gln (NM_003319.4); c.67528G>C, p.Glu22510Gln (NM_133378.4); c.48412G>C, p.Glu16138Gln (NM_133432.3); c.48613G>C, p.Glu16205Gln (NM_133437.4); short protein forms E16013Q, E16138Q, E16205Q, E22510Q, E23437Q, E25078Q.
Identifiers: ClinVar variation 4847719 (VCV004847719.1).

ClinVar aggregate classification (germline): Uncertain significance (1 of 4 stars; one submission).

gnomAD v4.1: 4 of 1,613,568 alleles (0.00025%); highest among the groups gnomAD compares: Non-Finnish European, 0.00034%; no homozygotes.

Submission:

Women's Health and Genetics/Laboratory Corporation of America, LabCorp
Classification: Uncertain significance. Last evaluated: 2026-03-24. Review status: criteria provided, single submitter. Criteria: LabCorp Variant Classification Summary - May 2015. Collection method: clinical testing. Allele origin: germline.
Comment: Variant summary: TTN c.67528G>C (p.Glu22510Gln) results in a conservative amino acid change in the encoded protein sequence. Algorithms developed to predict the effect of missense changes on protein structure and function are either unavailable or do not agree on the potential impact of this missense change. The variant was absent in 248596 control chromosomes. The available data on variant occurrences in the general population are insufficient to allow any conclusion about variant significance. To our knowledge, no occurrence of c.67528G>C in individuals affected with TTN-related conditions and no experimental evidence demonstrating its impact on protein function have been reported. No submitters have cited clinical-significance assessments for this variant to ClinVar. Based on the evidence outlined above, the variant was classified as uncertain significance.